The following is an entry in ClinVar:

NM_170606.3(KMT2C):c.11570C>T (p.Thr3857Met)

Genes: KMT2C (lysine methyltransferase 2C; minus strand), LOC129999675 (ATAC-STARR-seq lymphoblastoid active region 26876; plus strand). Cytogenetic location: 7q36.1.
Variant type: single nucleotide variant.
Coding change: c.11570C>T on transcript NM_170606.3 (MANE Select); coding-DNA position 11570, C replaced by T.
Protein change: p.Thr3857Met; replaces threonine 3857 with methionine.
Molecular consequence: missense variant.
Genome position (GRCh38, 1-based): chr7:152,158,963, G>A on the plus strand (C>T on the coding strand, the complement: KMT2C is on the minus strand). VCF-style: chr7-152158963-G-A. GRCh37 (hg19) VCF-style: chr7-151856048-G-A.
Other names: c.11570C>T (NM_170606.2); short protein forms T3857M.
Identifiers: ClinVar variation 134803 (VCV000134803.8), dbSNP rs577099359, ClinGen allele CA160775.
Genomic context (GRCh38, chr7:152,158,963, plus strand): 5'-GCTTGTTTCTCCTCTTCGTCCTTTTTCCTTTTCTTTGAGCGAGGTGCTGCTTTCTCACCC[G>A]TCCTCTGAGTCCGTTTGCTTCGCTGTTTCTTGGTTTCACTTCCTCCATCTGTTTTTGGCA-3'
Protein context (NP_733751.2, residues 3847-3867): KKQRSKRTQR[Thr3857Met]GEKAAPRSKK

ClinVar aggregate classification (germline): Likely benign. Review status: criteria provided, multiple submitters, no conflicts (2 of 4 stars). 3 submissions from 3 submitters: Likely benign (2). 1 of the submissions does not count toward it. Last evaluated 2022-12-06.

Conditions:
Inborn genetic diseases. Identifiers: MedGen C0950123, MeSH D030342.

Allele frequency attached by ClinVar (database versions not stated): ExAC 0.00002; gnomAD exomes 0.00002; gnomAD 0.00004 and 0.00005; TOPMed 0.00004; 1000 Genomes Project 0.00040; 1000 Genomes Project 30x 0.00047.
gnomAD v4.1: 38 of 1,614,010 alleles (0.0024%); highest among the groups gnomAD compares: African/African-American, 0.013%; no homozygotes.

Submissions (3):

Labcorp Genetics (formerly Invitae), Labcorp
Classification: Likely benign. Last evaluated: 2022-12-06. Review status: criteria provided, single submitter. Criteria: Invitae Variant Classification Sherloc (09022015). Collection method: clinical testing. Allele origin: germline.

Ambry Genetics
Classification: Likely benign for Inborn genetic diseases. Last evaluated: 2022-03-14. Review status: criteria provided, single submitter. Criteria: Ambry Variant Classification Scheme 2023. Collection method: clinical testing. Allele origin: germline.

ITMI
No classification provided. Condition: AllHighlyPenetrant. Last evaluated: 2013-09-19. Review status: no classification provided. Collection method: reference population. Allele origin: germline. Not counted in ClinVar's aggregate classification.
Comment: Please see associated publication for description of ethnicities

Literature cited by the submitters: PubMed 24728327 (cited by ITMI).